The following is an entry in ClinVar:

ClinVar aggregate classification (germline): Uncertain significance (1 of 4 stars; one submission).

Conditions:
GRIN2B-related disorder. Also called: GRIN2B-related condition.

Submission:

PreventionGenetics, part of Exact Sciences
Classification: Uncertain significance for GRIN2B-related condition. Last evaluated: 2023-05-17. Review status: criteria provided, single submitter. Criteria: ACMG Guidelines, 2015. Collection method: clinical testing. Allele origin: germline.
Comment: The GRIN2B c.1760G>A variant is predicted to result in the amino acid substitution p.Arg587Lys. To our knowledge, this variant has not been reported in the literature or in a large population database, indicating this variant is rare. At this time, the clinical significance of this variant is uncertain due to the absence of conclusive functional and genetic evidence.

NM_000834.5(GRIN2B):c.1760G>A (p.Arg587Lys)

Gene: GRIN2B (glutamate ionotropic receptor NMDA type subunit 2B; minus strand). Cytogenetic location: 12p13.1.
Variant type: single nucleotide variant.
Coding change: c.1760G>A on transcript NM_000834.5 (MANE Select); coding-DNA position 1760, G replaced by A.
Protein change: p.Arg587Lys; replaces arginine 587 with lysine.
Molecular consequence: missense variant.
Genome position (GRCh38, 1-based): chr12:13,611,745, C>T on the plus strand (G>A on the coding strand, the complement: GRIN2B is on the minus strand). VCF-style: chr12-13611745-C-T. GRCh37 (hg19) VCF-style: chr12-13764679-C-T.
Other names: c.1760G>A, p.Arg587Lys (NM_001413992.1); short protein forms R587K.
Identifiers: ClinVar variation 2629189 (VCV002629189.1), dbSNP rs2497590314, ClinGen allele CA384051416.